The following is an entry in ClinVar:

NM_182961.4(SYNE1):c.1650C>G (p.Ser550Arg)

Gene: SYNE1 (spectrin repeat containing nuclear envelope protein 1; minus strand). Cytogenetic location: 6q25.2.
Variant type: single nucleotide variant.
Coding change: c.1650C>G on transcript NM_182961.4 (MANE Select); coding-DNA position 1650, C replaced by G.
Protein change: p.Ser550Arg; replaces serine 550 with arginine.
Molecular consequence: missense variant.
Genome position (GRCh38, 1-based): chr6:152,466,061, G>C on the plus strand (C>G on the coding strand, the complement: SYNE1 is on the minus strand). VCF-style: chr6-152466061-G-C. GRCh37 (hg19) VCF-style: chr6-152787196-G-C.
Other names: c.1671C>G, p.Ser557Arg (NM_033071.5); short protein forms S550R, S557R.
Identifiers: ClinVar variation 3752200 (VCV003752200.2).

ClinVar aggregate classification (germline): Uncertain significance (1 of 4 stars; one submission).

Conditions:
Emery-Dreifuss muscular dystrophy 4, autosomal dominant (EDMD4). Also called: EMERY-DREIFUSS MUSCULAR DYSTROPHY 4 WITH VARIABLE FEATURES. Identifiers: Orphanet 261, MedGen C2751807, MONDO:0013071, OMIM 612998.
Autosomal recessive ataxia, Beauce type. Also called: Spinocerebellar ataxia, autosomal recessive 8; ATAXIA, RECESSIVE, OF BEAUCE; SYNE1-Related Autosomal Recessive Cerebellar Ataxia; SYNE1 Deficiency. Identifiers: Orphanet 88644, MedGen C1853116, MONDO:0012549, OMIM 610743.

gnomAD v4.1: 3 of 1,608,246 alleles (0.00019%); highest among the groups gnomAD compares: East Asian, 0.0022%; no homozygotes.

Submission:

Labcorp Genetics (formerly Invitae), Labcorp
Classification: Uncertain significance for Emery-Dreifuss muscular dystrophy 4, autosomal dominant; Autosomal recessive ataxia, Beauce type. Last evaluated: 2024-11-11. Review status: criteria provided, single submitter. Criteria: Invitae Variant Classification Sherloc (09022015). Collection method: clinical testing. Allele origin: germline.
Comment: This sequence change replaces serine, which is neutral and polar, with arginine, which is basic and polar, at codon 557 of the SYNE1 protein (p.Ser557Arg). This variant is present in population databases (rs756120733, gnomAD 0.003%). This variant has not been reported in the literature in individuals affected with SYNE1-related conditions. An algorithm developed to predict the effect of missense changes on protein structure and function (PolyPhen-2) suggests that this variant is likely to be tolerated. In summary, the available evidence is currently insufficient to determine the role of this variant in disease. Therefore, it has been classified as a Variant of Uncertain Significance.